The following is an entry in ClinVar:

ClinVar aggregate classification (germline): Conflicting classifications of pathogenicity. Review status: criteria provided, conflicting classifications (1 of 4 stars). 5 submissions from 5 submitters: Uncertain significance (3); Likely benign (1). 1 of the submissions does not count toward it. Last evaluated 2026-03-03.

Conditions:
Cardiovascular phenotype. Identifiers: MedGen CN230736.
Alstrom syndrome (ALMS). Identifiers: Orphanet 64, MedGen C0268425, MONDO:0008763, OMIM 203800.

Allele frequency attached by ClinVar (database versions not stated): gnomAD exomes 0.00001; ExAC 0.00002; gnomAD 0.00005; TOPMed 0.00009; ESP Exome Variant Server 0.00017.
gnomAD v4.1: 16 of 1,613,744 alleles (0.00099%); highest among the groups gnomAD compares: African/African-American, 0.021%; no homozygotes.

Submissions (5):

GeneDx
Classification: Uncertain significance. Last evaluated: 2026-03-03. Review status: criteria provided, single submitter. Criteria: GeneDx Variant Classification Process June 2021. Collection method: clinical testing. Allele origin: germline.
Comment: In silico analysis supports that this missense variant has a deleterious effect on protein structure/function; Has not been previously published as pathogenic or benign to our knowledge

Ambry Genetics
Classification: Likely benign for Cardiovascular phenotype. Last evaluated: 2025-06-05. Review status: criteria provided, single submitter. Criteria: Ambry Variant Classification Scheme 2023. Collection method: clinical testing. Allele origin: germline.

Labcorp Genetics (formerly Invitae), Labcorp
Classification: Uncertain significance for Alstrom syndrome. Last evaluated: 2022-08-30. Review status: criteria provided, single submitter. Criteria: Invitae Variant Classification Sherloc (09022015). Collection method: clinical testing. Allele origin: germline.
Comment: This sequence change replaces proline, which is neutral and non-polar, with threonine, which is neutral and polar, at codon 2237 of the ALMS1 protein (p.Pro2237Thr). The frequency data for this variant in the population databases is considered unreliable, as metrics indicate poor data quality at this position in the gnomAD database. This variant has not been reported in the literature in individuals affected with ALMS1-related conditions. ClinVar contains an entry for this variant (Variation ID: 549935). Experimental studies and prediction algorithms are not available or were not evaluated, and the functional significance of this variant is currently unknown. In summary, the available evidence is currently insufficient to determine the role of this variant in disease. Therefore, it has been classified as a Variant of Uncertain Significance.

Fulgent Genetics
Classification: Uncertain significance for Alstrom syndrome. Last evaluated: 2022-03-05. Review status: criteria provided, single submitter. Criteria: ACMG Guidelines, 2015. Collection method: clinical testing. Allele origin: unknown.

Counsyl
Classification: Uncertain significance for Alstrom syndrome. Last evaluated: 2017-03-15. Review status: no assertion criteria provided. Collection method: clinical testing. Allele origin: unknown. Not counted in ClinVar's aggregate classification.

NM_001378454.1(ALMS1):c.6706C>A (p.Pro2236Thr)

Gene: ALMS1 (ALMS1 centrosome and basal body associated protein; plus strand). Cytogenetic location: 2p13.1.
Variant type: single nucleotide variant.
Coding change: c.6706C>A on transcript NM_001378454.1 (MANE Select); coding-DNA position 6706, C replaced by A.
Protein change: p.Pro2236Thr; replaces proline 2236 with threonine.
Molecular consequence: missense variant.
Genome position (GRCh38, 1-based): chr2:73,453,233, C>A. VCF-style: chr2-73453233-C-A. GRCh37 (hg19) VCF-style: chr2-73680360-C-A.
Other names: c.6709C>A, p.Pro2237Thr (NM_015120.4); short protein forms P2237T, P2236T.
Identifiers: ClinVar variation 549935 (VCV000549935.10), dbSNP rs200724860, ClinGen allele CA1714112.